The following is an entry in ClinVar:

ClinVar aggregate classification (germline): Uncertain significance. Review status: criteria provided, multiple submitters, no conflicts (2 of 4 stars). 3 submissions from 3 submitters: Uncertain significance (3). Last evaluated 2023-05-18.

Conditions:
Cardiovascular phenotype. Identifiers: MedGen CN230736.
Long QT syndrome 12 (LQT12). Identifiers: Orphanet 101016, Orphanet 768, MedGen C2751830, MONDO:0013062, OMIM 612955.

Allele frequency attached by ClinVar (database versions not stated): gnomAD 0.00002; TOPMed 0.00004.
gnomAD v4.1: 38 of 1,613,254 alleles (0.0024%); highest among the groups gnomAD compares: South Asian, 0.0044%; no homozygotes.

Submissions (3):

Ambry Genetics
Classification: Uncertain significance for Cardiovascular phenotype. Last evaluated: 2023-05-18. Review status: criteria provided, single submitter. Criteria: Ambry Variant Classification Scheme 2023. Collection method: clinical testing. Allele origin: germline.
Comment: The p.R373H variant (also known as c.1118G>A), located in coding exon 6 of the SNTA1 gene, results from a G to A substitution at nucleotide position 1118. The arginine at codon 373 is replaced by histidine, an amino acid with highly similar properties. This amino acid position is not well conserved in available vertebrate species. In addition, this alteration is predicted to be tolerated by in silico analysis. The evidence for this gene-disease relationship is limited; therefore, the clinical significance of this alteration is unclear.

Fulgent Genetics
Classification: Uncertain significance for Long QT syndrome 12. Last evaluated: 2021-09-16. Review status: criteria provided, single submitter. Criteria: ACMG Guidelines, 2015. Collection method: clinical testing. Allele origin: unknown.

Illumina Laboratory Services, Illumina
Classification: Uncertain significance for Long QT syndrome 12. Last evaluated: 2018-01-13. Review status: criteria provided, single submitter. Criteria: ICSL Variant Classification Criteria 13 December 2019. Collection method: clinical testing. Allele origin: germline.

NM_003098.3(SNTA1):c.1118G>A (p.Arg373His)

Gene: SNTA1 (syntrophin alpha 1; minus strand). Cytogenetic location: 20q11.21.
Variant type: single nucleotide variant.
Coding change: c.1118G>A on transcript NM_003098.3 (MANE Select); coding-DNA position 1118, G replaced by A.
Protein change: p.Arg373His; replaces arginine 373 with histidine.
Molecular consequence: missense variant.
Genome position (GRCh38, 1-based): chr20:33,410,254, C>T on the plus strand (G>A on the coding strand, the complement: SNTA1 is on the minus strand). VCF-style: chr20-33410254-C-T. GRCh37 (hg19) VCF-style: chr20-31998060-C-T.
Other names: short protein forms R373H.
Identifiers: ClinVar variation 338215 (VCV000338215.9), dbSNP rs754648214, ClinGen allele CA9817034.